The following is an entry in ClinVar:

NM_001378778.1(MPDZ):c.1771G>A (p.Gly591Arg)

Gene: MPDZ (multiple PDZ domain crumbs cell polarity complex component; minus strand). Cytogenetic location: 9p23.
Variant type: single nucleotide variant.
Coding change: c.1771G>A on transcript NM_001378778.1 (MANE Select); coding-DNA position 1771, G replaced by A.
Protein change: p.Gly591Arg; replaces glycine 591 with arginine.
Molecular consequence: missense variant.
Genome position (GRCh38, 1-based): chr9:13,193,199, C>T on the plus strand (G>A on the coding strand, the complement: MPDZ is on the minus strand). VCF-style: chr9-13193199-C-T. GRCh37 (hg19) VCF-style: chr9-13193198-C-T.
Other names: c.1771G>A (NM_003829.3); c.1771G>A, p.Gly591Arg (NM_001261406.2, NM_001261407.2, NM_001330637.2 and 14 more transcripts); short protein forms G591R.
Identifiers: ClinVar variation 1499805 (VCV001499805.9), dbSNP rs775614513, ClinGen allele CA4987679.

ClinVar aggregate classification (germline): Uncertain significance. Review status: criteria provided, multiple submitters, no conflicts (2 of 4 stars). 2 submissions from 2 submitters: Uncertain significance (2). Last evaluated 2025-08-22.

Conditions:
Inborn genetic diseases. Identifiers: MedGen C0950123, MeSH D030342.

Allele frequency attached by ClinVar (database versions not stated): gnomAD 0.00002 and 0.00001; gnomAD exomes 0.00002 and 0.00004; ExAC 0.00003.
gnomAD v4.1: 53 of 1,601,960 alleles (0.0033%); highest among the groups gnomAD compares: Middle Eastern, 0.017%; no homozygotes.

Submissions (2):

Ambry Genetics
Classification: Uncertain significance for Inborn genetic diseases. Last evaluated: 2025-08-22. Review status: criteria provided, single submitter. Criteria: Ambry Variant Classification Scheme 2023. Collection method: clinical testing. Allele origin: germline.

Labcorp Genetics (formerly Invitae), Labcorp
Classification: Uncertain significance. Last evaluated: 2022-08-16. Review status: criteria provided, single submitter. Criteria: Invitae Variant Classification Sherloc (09022015). Collection method: clinical testing. Allele origin: germline.
Comment: In summary, the available evidence is currently insufficient to determine the role of this variant in disease. Therefore, it has been classified as a Variant of Uncertain Significance. Algorithms developed to predict the effect of missense changes on protein structure and function output the following: SIFT: "Deleterious"; PolyPhen-2: "Benign"; Align-GVGD: "Class C65". The arginine amino acid residue is found in multiple mammalian species, which suggests that this missense change does not adversely affect protein function. ClinVar contains an entry for this variant (Variation ID: 1499805). This variant has not been reported in the literature in individuals affected with MPDZ-related conditions. This variant is present in population databases (rs775614513, gnomAD 0.008%). This sequence change replaces glycine, which is neutral and non-polar, with arginine, which is basic and polar, at codon 591 of the MPDZ protein (p.Gly591Arg).